The following is an entry in ClinVar:

NM_002439.5(MSH3):c.2231A>G (p.Tyr744Cys)

Gene: MSH3 (mutS homolog 3; plus strand). Cytogenetic location: 5q14.1.
Variant type: single nucleotide variant.
Coding change: c.2231A>G on transcript NM_002439.5 (MANE Select); coding-DNA position 2231, A replaced by G.
Protein change: p.Tyr744Cys; replaces tyrosine 744 with cysteine.
Molecular consequence: missense variant.
Genome position (GRCh38, 1-based): chr5:80,768,981, A>G. VCF-style: chr5-80768981-A-G. GRCh37 (hg19) VCF-style: chr5-80064800-A-G.
Other names: short protein forms Y744C.
Identifiers: ClinVar variation 3211217 (VCV003211217.4), dbSNP rs1228057455, ClinGen allele CA360279738.

ClinVar aggregate classification (germline): Uncertain significance. Review status: criteria provided, multiple submitters, no conflicts (2 of 4 stars). 2 submissions from 2 submitters: Uncertain significance (2). Last evaluated 2025-09-22.

Conditions:
Hereditary cancer-predisposing syndrome. Also called: Tumor predisposition; Hereditary neoplastic syndrome; Hereditary Cancer Syndrome; Neoplastic Syndromes, Hereditary. Identifiers: Orphanet 140162, MedGen C0027672, MeSH D009386, MONDO:0015356.

Allele frequency attached by ClinVar (database versions not stated): gnomAD 0.00001.
gnomAD v4.1: 1 of 1,612,850 alleles (0.000062%); highest among the groups gnomAD compares: East Asian, 0.0022%; no homozygotes.

Submissions (2):

Ambry Genetics
Classification: Uncertain significance for Hereditary cancer-predisposing syndrome. Last evaluated: 2025-09-22. Review status: criteria provided, single submitter. Criteria: Ambry Variant Classification Scheme 2023. Collection method: clinical testing. Allele origin: germline.
Comment: The p.Y744C variant (also known as c.2231A>G), located in coding exon 15 of the MSH3 gene, results from an A to G substitution at nucleotide position 2231. The tyrosine at codon 744 is replaced by cysteine, an amino acid with highly dissimilar properties. This amino acid position is conserved. In addition, this alteration is predicted to be deleterious by in silico analysis. Based on the available evidence, the clinical significance of this variant remains unclear.

Labcorp Genetics (formerly Invitae), Labcorp
Classification: Uncertain significance. Last evaluated: 2025-02-18. Review status: criteria provided, single submitter. Criteria: Invitae Variant Classification Sherloc (09022015). Collection method: clinical testing. Allele origin: germline.
Comment: This sequence change replaces tyrosine, which is neutral and polar, with cysteine, which is neutral and slightly polar, at codon 744 of the MSH3 protein (p.Tyr744Cys). This variant is present in population databases (no rsID available, gnomAD 0.06%). This variant has not been reported in the literature in individuals affected with MSH3-related conditions. ClinVar contains an entry for this variant (Variation ID: 3211217). An algorithm developed to predict the effect of missense changes on protein structure and function (PolyPhen-2) suggests that this variant is likely to be disruptive. In summary, the available evidence is currently insufficient to determine the role of this variant in disease. Therefore, it has been classified as a Variant of Uncertain Significance.